The following is an entry in ClinVar:

NC_000002.11:g.(?_165946660)_(167168266_?)del

Genes: CSRNP3 (cysteine and serine rich nuclear protein 3; plus strand), GALNT3 (polypeptide N-acetylgalactosaminyltransferase 3; minus strand), SCN1A (sodium voltage-gated channel alpha subunit 1; minus strand), SCN2A (sodium voltage-gated channel alpha subunit 2; plus strand), SCN3A (sodium voltage-gated channel alpha subunit 3; minus strand) and 2 more. Cytogenetic location: 2q24.3.
Variant type: Deletion.
Identifiers: ClinVar variation 1054402 (VCV001054402.11).

ClinVar aggregate classification (germline): Pathogenic. Review status: criteria provided, single submitter (1 of 4 stars). 5 submissions from 1 submitter: Pathogenic (1). 4 of the submissions do not count toward it. Last evaluated 2022-07-25.

Conditions:
Seizures, benign familial infantile, 3 (BFIS3). Also called: Familial neonatal seizures; CONVULSIONS, BENIGN FAMILIAL INFANTILE, 3. Identifiers: Orphanet 140927, Orphanet 306, MedGen C1843140, MONDO:0011904, OMIM 607745.
Developmental and epileptic encephalopathy, 11 (DEE11). Also called: Early infantile epileptic encephalopathy 11. Identifiers: Orphanet 1934, MedGen C3150987, MONDO:0013388, OMIM 613721.
Jeune thoracic dystrophy. Also called: Short-rib thoracic dysplasia; Jeune syndrome; Infantile thoracic dystrophy; Thoracic pelvic phalangeal dystrophy; Jeune's syndrome; Chondroectodermal dysplasia-like syndrome. Identifiers: Orphanet 474, MedGen C0265275, MONDO:0018770.
Nephronophthisis. Also called: Juvenile Nephronophthisis. Identifiers: Orphanet 655, MedGen C0687120, MONDO:0019005, HP:0000090.
Developmental and epileptic encephalopathy. Identifiers: MedGen C5779964, MONDO:0100620.
Generalized epilepsy with febrile seizures plus, type 7 (GEFSP7). Also called: GEFS+, TYPE 7. Identifiers: Orphanet 36387, MedGen C2751778, MONDO:0013470, OMIM 613863.
Neuropathy, hereditary sensory and autonomic, type 2A (HSAN2A). Also called: HSAN IIA; ACROOSTEOLYSIS, GIACCAI TYPE; ACROOSTEOLYSIS, NEUROGENIC; MORVAN DISEASE; NEUROPATHY, CONGENITAL SENSORY; NEUROPATHY, HEREDITARY SENSORY RADICULAR, AUTOSOMAL RECESSIVE. Identifiers: Orphanet 970, MedGen C2752089, MONDO:0024309, OMIM 201300.

Submissions (5):

Labcorp Genetics (formerly Invitae), Labcorp
Classification: Pathogenic for Jeune thoracic dystrophy; Nephronophthisis. Last evaluated: 2022-07-25. Review status: criteria provided, single submitter. Criteria: Invitae Variant Classification Sherloc (09022015). Collection method: clinical testing. Allele origin: germline.
Comment: For these reasons, this variant has been classified as Pathogenic. This variant has not been reported in the literature in individuals affected with TTC21B-related conditions. A gross deletion of the genomic region encompassing the full coding sequence of the TTC21B gene has been identified. Loss-of-function variants in TTC21B are known to be pathogenic (PMID: 18327258, 21068128, 21258341, 23559409, 24876116, 25492405, 27491411, 29068549). The boundaries of this event are unknown as they extend beyond the assayed region for this gene and therefore may encompass additional genes.

Labcorp Genetics (formerly Invitae), Labcorp
Classification: Pathogenic. Last evaluated: 2022-07-25. Review status: flagged submission. Criteria: Invitae Variant Classification Sherloc (09022015). Collection method: clinical testing. Allele origin: germline. Not counted in ClinVar's aggregate classification.
Comment: A gross deletion of the genomic region encompassing the full coding sequence of the GALNT3 gene has been identified. Loss-of-function variants in GALNT3 are known to be pathogenic (PMID: 15133511, 20358599). The boundaries of this event are unknown as they extend beyond the assayed region for this gene and therefore may encompass additional genes. This variant has not been reported in the literature in individuals affected with GALNT3-related conditions. For these reasons, this variant has been classified as Pathogenic.
ClinVar note: Reason: This record appears to be redundant with a more recent record from the same submitter.
ClinVar note: Notes: SCV001558944 appears to be redundant with SCV002238544.

Labcorp Genetics (formerly Invitae), Labcorp
Classification: Pathogenic for Seizures, benign familial infantile, 3; Developmental and epileptic encephalopathy, 11. Last evaluated: 2020-10-08. Review status: flagged submission. Criteria: Invitae Variant Classification Sherloc (09022015). Collection method: clinical testing. Allele origin: germline. Not counted in ClinVar's aggregate classification.
Comment: A gross deletion of the genomic region encompassing the full coding sequence of the SCN2A gene has been identified. The boundaries of this event are unknown as the deletion extends beyond the assayed region for this gene and therefore may encompass additional genes. Isolated whole-gene deletions of SCN2A have not been reported in the literature. However, larger copy number events that include this gene have been reported (PMID: 19400878, 23662938). Loss-of-function variants in SCN2A are known to be pathogenic (PMID: 22495306, 23020937, 24650168). For these reasons, this variant has been classified as Pathogenic.
ClinVar note: Reason: This record appears to be redundant with a more recent record from the same submitter.
ClinVar note: Notes: SCV001579459 appears to be redundant with SCV001558944.

Labcorp Genetics (formerly Invitae), Labcorp
Classification: Pathogenic for Neuropathy, hereditary sensory and autonomic, type 2A; Generalized epilepsy with febrile seizures plus, type 7. Last evaluated: 2020-10-08. Review status: flagged submission. Criteria: Invitae Variant Classification Sherloc (09022015). Collection method: clinical testing. Allele origin: germline. Not counted in ClinVar's aggregate classification.
Comment: A gross deletion of the genomic region encompassing the full coding sequence of the SCN9A gene has been identified. The boundaries of this event are unknown as the deletion extends beyond the assayed region for this gene and therefore may encompass additional genes. Isolated whole-gene deletions of SCN9A have not been reported in the literature. However, larger copy number events that include this gene have been reported (PMID: 23662938, 19400878). Loss-of-function variants in SCN9A are known to be pathogenic (PMID: 17470132, 19304393). For these reasons, this variant has been classified as Pathogenic.
ClinVar note: Reason: This record appears to be redundant with a more recent record from the same submitter.
ClinVar note: Notes: SCV001588633 appears to be redundant with SCV001558944.

Labcorp Genetics (formerly Invitae), Labcorp
Classification: Pathogenic for Early-infantile DEE. Last evaluated: 2020-10-08. Review status: flagged submission. Criteria: Invitae Variant Classification Sherloc (09022015). Collection method: clinical testing. Allele origin: germline. Not counted in ClinVar's aggregate classification.
Comment: A gross deletion of the genomic region encompassing the full coding sequence of the SCN1A gene has been identified. The boundaries of this event are unknown as the deletion extends beyond the assayed region for this gene and therefore may encompass additional genes. This variant has been observed in individual(s) with Dravet syndrome (PMID: 17561957, 16865694, 20522430, 21719429, 26068938). In at least one individual the variant was observed to be de novo. Loss-of-function variants in SCN1A are known to be pathogenic (PMID: 17347258, 18930999). For these reasons, this variant has been classified as Pathogenic.
ClinVar note: Reason: This record appears to be redundant with a more recent record from the same submitter.
ClinVar note: Notes: SCV001592800 appears to be redundant with SCV001558944.

Literature cited by the submitters: PubMed 18327258; PubMed 21068128; PubMed 21258341; PubMed 23559409; PubMed 24876116; PubMed 25492405; PubMed 27491411; PubMed 29068549; PubMed 15133511; PubMed 20358599; PubMed 19400878; PubMed 23662938; PubMed 22495306; PubMed 23020937; PubMed 24650168; PubMed 17470132; PubMed 19304393; PubMed 17561957; PubMed 16865694; PubMed 20522430; PubMed 21719429; PubMed 26068938; PubMed 17347258; PubMed 18930999.